The following is an entry in ClinVar:

ClinVar aggregate classification (germline): Uncertain significance (1 of 4 stars; one submission).

Conditions:
Intellectual developmental disorder, X-linked 72. Also called: Intellectual disability, X-linked 72. Identifiers: Orphanet 777, MedGen C1846038, MONDO:0010289, OMIM 300271.

Submission:

Centre for Mendelian Genomics, University Medical Centre Ljubljana
Classification: Uncertain significance for Intellectual developmental disorder, X-linked 72. Last evaluated: 2018-09-28. Review status: criteria provided, single submitter. Criteria: ACMG Guidelines, 2015. Collection method: clinical testing. Allele origin: unknown. Affected: yes.
Comment: This variant was classified as: Uncertain significance. The available evidence on this variant's pathogenicity is insufficient or conflicting. The following ACMG criteria were applied in classifying this variant: PM2. This variant was detected in hemizygous state.

NM_171998.4(RAB39B):c.349G>T (p.Val117Leu)

Gene: RAB39B (RAB39B, member RAS oncogene family; minus strand). Cytogenetic location: Xq28.
Variant type: single nucleotide variant.
Coding change: c.349G>T on transcript NM_171998.4 (MANE Select); coding-DNA position 349, G replaced by T.
Protein change: p.Val117Leu; replaces valine 117 with leucine.
Molecular consequence: missense variant.
Genome position (GRCh38, 1-based): chrX:155,261,096, C>A on the plus strand (G>T on the coding strand, the complement: RAB39B is on the minus strand). VCF-style: chrX-155261096-C-A. GRCh37 (hg19) VCF-style: chrX-154490381-C-A.
Other names: short protein forms V117L.
Identifiers: ClinVar variation 930800 (VCV000930800.3), dbSNP rs1557314233, ClinGen allele CA414924598.